The following is an entry in ClinVar:

NM_001267550.2(TTN):c.65326C>A (p.Leu21776Met)

Genes: TTN (titin; minus strand), TTN-AS1 (TTN antisense RNA 1; plus strand). Cytogenetic location: 2q31.2.
Variant type: single nucleotide variant.
Coding change: c.65326C>A on transcript NM_001267550.2 (MANE Select); coding-DNA position 65326, C replaced by A.
Protein change: p.Leu21776Met; replaces leucine 21776 with methionine.
Molecular consequence: missense variant. On other transcripts: non-coding transcript variant (1).
Genome position (GRCh38, 1-based): chr2:178,583,856, G>T on the plus strand (C>A on the coding strand, the complement: TTN is on the minus strand). VCF-style: chr2-178583856-G-T. GRCh37 (hg19) VCF-style: chr2-179448583-G-T.
Other names: c.60403C>A, p.Leu20135Met (NM_001256850.1); c.38131C>A, p.Leu12711Met (NM_003319.4); c.57622C>A, p.Leu19208Met (NM_133378.4); c.38506C>A, p.Leu12836Met (NM_133432.3); c.38707C>A, p.Leu12903Met (NM_133437.4); short protein forms L12711M, L12836M, L12903M, L19208M, L20135M, L21776M.
Identifiers: ClinVar variation 3367511 (VCV003367511.1).

ClinVar aggregate classification (germline): Uncertain significance (1 of 4 stars; one submission).

gnomAD v4.1: 1 of 1,607,850 alleles (0.000062%); highest among the groups gnomAD compares: Non-Finnish European, 0.000085%; no homozygotes.

Submission:

GeneDx
Classification: Uncertain significance. Last evaluated: 2024-01-08. Review status: criteria provided, single submitter. Criteria: GeneDx Variant Classification Process June 2021. Collection method: clinical testing. Allele origin: germline. Affected: yes.
Comment: Not observed at significant frequency in large population cohorts (gnomAD); Missense variant in a gene in which most reported pathogenic variants are truncating/loss of function; Has not been previously published as pathogenic or benign to our knowledge